The following is an entry in ClinVar:

ClinVar aggregate classification (germline): Uncertain significance (1 of 4 stars; one submission).

Submission:

CeGaT Center for Human Genetics Tuebingen
Classification: Uncertain significance. Last evaluated: 2023-08-01. Review status: criteria provided, single submitter. Criteria: CeGaT Center For Human Genetics Tuebingen Variant Classification Criteria Version 2. Collection method: clinical testing. Allele origin: germline. Affected: yes. Observed: 3 variant alleles.
Comment: OGT: PM1, PM2, PP2

NM_181672.3(OGT):c.1522C>T (p.His508Tyr)

Gene: OGT (O-linked N-acetylglucosamine (GlcNAc) transferase; plus strand). Cytogenetic location: Xq13.1.
Variant type: single nucleotide variant.
Coding change: c.1522C>T on transcript NM_181672.3 (MANE Select); coding-DNA position 1522, C replaced by T.
Protein change: p.His508Tyr; replaces histidine 508 with tyrosine.
Molecular consequence: missense variant.
Genome position (GRCh38, 1-based): chrX:71,557,592, C>T. VCF-style: chrX-71557592-C-T. GRCh37 (hg19) VCF-style: chrX-70777442-C-T.
Other names: c.1492C>T, p.His498Tyr (NM_181673.3); short protein forms H498Y, H508Y.
Identifiers: ClinVar variation 2579099 (VCV002579099.25), dbSNP rs2522845849, ClinGen allele CA413554244.